The following is an entry in ClinVar:

ClinVar aggregate classification (germline): Uncertain significance. Review status: criteria provided, multiple submitters, no conflicts (2 of 4 stars). 2 submissions from 2 submitters: Uncertain significance (2). Last evaluated 2025-05-22.

Allele frequency attached by ClinVar (database versions not stated): ExAC 0.00002; gnomAD exomes 0.00003; TOPMed 0.00002; gnomAD 0.00003.
gnomAD v4.1: 53 of 1,614,100 alleles (0.0033%); highest among the groups gnomAD compares: Middle Eastern, 0.16%; no homozygotes.

Submissions (2):

Mayo Clinic Laboratories, Mayo Clinic
Classification: Uncertain significance. Last evaluated: 2025-05-22. Review status: criteria provided, single submitter. Criteria: ACMG Guidelines, 2015. Collection method: clinical testing. Allele origin: germline. Observed: 1 variant allele.
Comment: BP4_moderate, PP3

Labcorp Genetics (formerly Invitae), Labcorp
Classification: Uncertain significance. Last evaluated: 2022-02-28. Review status: criteria provided, single submitter. Criteria: Invitae Variant Classification Sherloc (09022015). Collection method: clinical testing. Allele origin: germline.
Comment: This sequence change replaces lysine, which is basic and polar, with glutamic acid, which is acidic and polar, at codon 487 of the ANO6 protein (p.Lys487Glu). This variant is present in population databases (rs200331398, gnomAD 0.01%). This variant has not been reported in the literature in individuals affected with ANO6-related conditions. Advanced modeling of protein sequence and biophysical properties (such as structural, functional, and spatial information, amino acid conservation, physicochemical variation, residue mobility, and thermodynamic stability) performed at Invitae indicates that this missense variant is not expected to disrupt ANO6 protein function. Algorithms developed to predict the effect of sequence changes on RNA splicing suggest that this variant may create or strengthen a splice site. In summary, the available evidence is currently insufficient to determine the role of this variant in disease. Therefore, it has been classified as a Variant of Uncertain Significance.

NM_001025356.3(ANO6):c.1459A>G (p.Lys487Glu)

Gene: ANO6 (anoctamin 6; plus strand). Cytogenetic location: 12q12.
Variant type: single nucleotide variant.
Coding change: c.1459A>G on transcript NM_001025356.3 (MANE Select); coding-DNA position 1459, A replaced by G.
Protein change: p.Lys487Glu; replaces lysine 487 with glutamic acid.
Molecular consequence: missense variant.
Genome position (GRCh38, 1-based): chr12:45,401,867, A>G. VCF-style: chr12-45401867-A-G. GRCh37 (hg19) VCF-style: chr12-45795650-A-G.
Other names: p.Lys487Glu; c.1405A>G, p.Lys469Glu (NM_001142678.2); c.1459A>G, p.Lys487Glu (NM_001142679.2); c.1522A>G, p.Lys508Glu (NM_001204803.2); c.1426A>G, p.Lys476Glu (NM_001410973.1); short protein forms K487E, K508E, K476E, K469E.
Identifiers: ClinVar variation 1901391 (VCV001901391.3), dbSNP rs200331398, ClinGen allele CA6525362.